The following is an entry in ClinVar:

ClinVar aggregate classification (germline): Conflicting classifications of pathogenicity. Review status: criteria provided, conflicting classifications (1 of 4 stars). 5 submissions from 5 submitters: Likely pathogenic (2); Uncertain significance (3). Last evaluated 2026-06-23.

Conditions:
Hereditary pulmonary alveolar proteinosis. Also called: Pulmonary surfactant metabolism dysfunction. Identifiers: Orphanet 264675, MedGen C3711368, MONDO:0012580.
Interstitial lung disease due to ABCA3 deficiency. Also called: PULMONARY ALVEOLAR PROTEINOSIS, CONGENITAL, 3. Identifiers: Orphanet 440402, MedGen C1970456, MONDO:0012582, OMIM 610921.

Allele frequency attached by ClinVar (database versions not stated): gnomAD exomes 0.00012; ExAC 0.00017; 1000 Genomes Project 30x 0.00031; gnomAD 0.00032; TOPMed 0.00036; ESP Exome Variant Server 0.00038; 1000 Genomes Project 0.00040.
gnomAD v4.1: 105 of 1,605,488 alleles (0.0065%); highest among the groups gnomAD compares: African/African-American, 0.11%; no homozygotes.

Submissions (5):

Women's Health and Genetics/Laboratory Corporation of America, LabCorp
Classification: Uncertain significance. Last evaluated: 2026-06-23. Review status: criteria provided, single submitter. Criteria: LabCorp Variant Classification Summary - May 2015. Collection method: clinical testing. Allele origin: germline.
Comment: Variant summary: ABCA3 c.418A>C (p.Asn140His) results in a conservative amino acid change in the encoded protein sequence. Algorithms developed to predict the effect of missense changes on protein structure and function are either unavailable or do not agree on the potential impact of this missense change. The variant allele was found at a frequency of 0.00012 in 238526 control chromosomes, predominantly at a frequency of 0.001 within the African or African-American subpopulation in the gnomAD database. This frequency is not significantly higher than estimated for disease-causing variants in ABCA3, allowing no conclusion about variant significance. c.418A>C has been observed in individuals affected with ABCA3-related conditions (Wambach_2014, internal data). These data indicate that the variant may be associated with disease. At least one publication reports experimental evidence evaluating an impact on protein function and shows that the mutant protein was processed and trafficked normally and resulted in well-organized lamellar body-like vesicles, similar to WT, but with significantly reduced diameter (Hu_2020).However, the variant results in an ATPase activity approximately 40% of normal protein. The following publications have been ascertained in the context of this evaluation (PMID: 32196812, 24871971). ClinVar contains an entry for this variant (Variation ID: 887299). Based on the evidence outlined above, the variant was classified as VUS-possibly pathogenic.

Labcorp Genetics (formerly Invitae), Labcorp
Classification: Likely pathogenic. Last evaluated: 2026-01-26. Review status: criteria provided, single submitter. Criteria: Invitae Variant Classification Sherloc (09022015). Collection method: clinical testing. Allele origin: germline.
Comment: This sequence change replaces asparagine, which is neutral and polar, with histidine, which is basic and polar, at codon 140 of the ABCA3 protein (p.Asn140His). This variant is present in population databases (rs45447801, gnomAD 0.1%). This missense change has been observed in individual(s) with autosomal recessive surfactant metabolism dysfunction (PMID: 24871971; internal data). In at least one individual the data is consistent with being in trans (on the opposite chromosome) from a pathogenic variant. ClinVar contains an entry for this variant (Variation ID: 887299). Invitae Evidence Modeling of protein sequence and biophysical properties (such as structural, functional, and spatial information, amino acid conservation, physicochemical variation, residue mobility, and thermodynamic stability) indicates that this missense variant is not expected to disrupt ABCA3 protein function with a negative predictive value of 80%. Experimental studies have shown that this missense change affects ABCA3 function (PMID: 32196812). In summary, the currently available evidence indicates that the variant is pathogenic, but additional data are needed to prove that conclusively. Therefore, this variant has been classified as Likely Pathogenic.

Fulgent Genetics
Classification: Likely pathogenic for Interstitial lung disease due to ABCA3 deficiency. Last evaluated: 2024-06-19. Review status: criteria provided, single submitter. Criteria: ACMG Guidelines, 2015. Collection method: clinical testing. Allele origin: germline.

Ambry Genetics
Classification: Uncertain significance for Hereditary pulmonary alveolar proteinosis. Last evaluated: 2022-06-21. Review status: criteria provided, single submitter. Criteria: Ambry Variant Classification Scheme 2023. Collection method: clinical testing. Allele origin: germline.
Comment: The p.N140H variant (also known as c.418A>C), located in coding exon 3 of the ABCA3 gene, results from an A to C substitution at nucleotide position 418. The asparagine at codon 140 is replaced by histidine, an amino acid with some similar properties. In vitro functional assays showed that N140H could lead to reduced ATPase activity consistent with type II mutants (Hu JY et al. Hum Mutat, 2020 07;41:1298-1307). Based on internal structural analysis, N140H is deleterious (Ambry internal data). Based on data from gnomAD, the frequency for this variant is above the maximum credible frequency for a disease-causing variant in this gene based on internally established thresholds (Karczewski et al. Nature. 2020 May;581(7809):434-443; Whiffin et al. Genet Med. 2017 10;19:1151-1158). This amino acid position is not well conserved in available vertebrate species. In addition, the in silico prediction for this alteration is inconclusive. Since supporting evidence is conflicting at this time, the clinical significance of this alteration remains unclear.

Illumina Laboratory Services, Illumina
Classification: Uncertain significance for Interstitial lung disease due to ABCA3 deficiency. Last evaluated: 2017-04-27. Review status: criteria provided, single submitter. Criteria: ICSL Variant Classification Criteria 13 December 2019. Collection method: clinical testing. Allele origin: germline.
Comment: This variant was observed as part of a predisposition screen in an ostensibly healthy population. A literature search was performed for the gene, cDNA change, and amino acid change (where applicable). Publications were found based on this search. However, the evidence from the literature, in combination with allele frequency data from public databases where available, was not sufficient to rule this variant in or out of causing disease. Therefore, this variant is classified as a variant of unknown significance.

Literature cited by the submitters: PubMed 32196812 (cited by 3 submitters); PubMed 24871971 (cited by 3 submitters); PubMed 24142515 (cited by Illumina Laboratory Services, Illumina).

NM_001089.3(ABCA3):c.418A>C (p.Asn140His)

Gene: ABCA3 (ATP binding cassette subfamily A member 3; minus strand). Cytogenetic location: 16p13.3.
Variant type: single nucleotide variant.
Coding change: c.418A>C on transcript NM_001089.3 (MANE Select); coding-DNA position 418, A replaced by C.
Protein change: p.Asn140His; replaces asparagine 140 with histidine.
Molecular consequence: missense variant.
Genome position (GRCh38, 1-based): chr16:2,324,433, T>G on the plus strand (A>C on the coding strand, the complement: ABCA3 is on the minus strand). VCF-style: chr16-2324433-T-G. GRCh37 (hg19) VCF-style: chr16-2374434-T-G.
Other names: short protein forms N140H.
Identifiers: ClinVar variation 887299 (VCV000887299.15), dbSNP rs45447801, ClinGen allele CA7841674.